The following is an entry in ClinVar:

NM_000059.4(BRCA2):c.7696G>T (p.Asp2566Tyr)

Gene: BRCA2 (BRCA2 DNA repair associated; plus strand). Cytogenetic location: 13q13.1.
Variant type: single nucleotide variant.
Coding change: c.7696G>T on transcript NM_000059.4 (MANE Select); coding-DNA position 7696, G replaced by T.
Protein change: p.Asp2566Tyr; replaces aspartic acid 2566 with tyrosine.
Molecular consequence: missense variant.
Genome position (GRCh38, 1-based): chr13:32,357,820, G>T. VCF-style: chr13-32357820-G-T. GRCh37 (hg19) VCF-style: chr13-32931957-G-T.
Other names: short protein forms D2566Y.
Identifiers: ClinVar variation 52389 (VCV000052389.17), dbSNP rs80358996, ClinGen allele CA025235.

ClinVar aggregate classification (germline): Conflicting classifications of pathogenicity. Review status: criteria provided, conflicting classifications (1 of 4 stars). 4 submissions from 4 submitters: Uncertain significance (2); Likely benign (1). 1 of the submissions does not count toward it. Last evaluated 2023-12-17.

Conditions:
Hereditary breast ovarian cancer syndrome. Also called: Hereditary breast and ovarian cancer syndrome; Hereditary breast and ovarian cancer; Hereditary breast and ovarian cancer syndrome (HBOC); Breast and ovarian cancer; Hereditary breast and/or ovarian cancer syndrome; BRCA1- and BRCA2-Associated Hereditary Breast and Ovarian Cancer. Identifiers: Orphanet 145, MedGen C0677776, MeSH D061325, MONDO:0003582. Disease mechanism: loss of function.
Hereditary cancer-predisposing syndrome. Also called: Neoplastic Syndromes, Hereditary; Tumor predisposition; Hereditary neoplastic syndrome; Hereditary Cancer Syndrome. Identifiers: Orphanet 140162, MedGen C0027672, MeSH D009386, MONDO:0015356.
Breast-ovarian cancer, familial, susceptibility to, 2 (BROVCA2). Also called: BRCA2 Hereditary Breast and Ovarian Cancer. Identifiers: Orphanet 145, MedGen C2675520, MONDO:0012933, OMIM 612555. Disease mechanism: loss of function.

Allele frequency attached by ClinVar (database versions not stated): gnomAD exomes 0.00001.

Submissions (4):

Labcorp Genetics (formerly Invitae), Labcorp
Classification: Uncertain significance for Hereditary breast ovarian cancer syndrome. Last evaluated: 2023-12-17. Review status: criteria provided, single submitter. Criteria: Invitae Variant Classification Sherloc (09022015). Collection method: clinical testing. Allele origin: germline.
Comment: This sequence change replaces aspartic acid, which is acidic and polar, with tyrosine, which is neutral and polar, at codon 2566 of the BRCA2 protein (p.Asp2566Tyr). This variant is not present in population databases (gnomAD no frequency). This variant has not been reported in the literature in individuals affected with BRCA2-related conditions. ClinVar contains an entry for this variant (Variation ID: 52389). Advanced modeling of protein sequence and biophysical properties (such as structural, functional, and spatial information, amino acid conservation, physicochemical variation, residue mobility, and thermodynamic stability) performed at Invitae indicates that this missense variant is not expected to disrupt BRCA2 protein function with a negative predictive value of 95%. In summary, the available evidence is currently insufficient to determine the role of this variant in disease. Therefore, it has been classified as a Variant of Uncertain Significance.

Women's Health and Genetics/Laboratory Corporation of America, LabCorp
Classification: Uncertain significance. Last evaluated: 2023-08-18. Review status: criteria provided, single submitter. Criteria: LabCorp Variant Classification Summary - May 2015. Collection method: clinical testing. Allele origin: germline.
Comment: Variant summary: BRCA2 c.7696G>T (p.Asp2566Tyr) results in a non-conservative amino acid change located in the Breast cancer type 2 susceptibility protein, helical domain (IPR015252) of the encoded protein sequence. Five of five in-silico tools predict a damaging effect of the variant on protein function. The variant was absent in 251322 control chromosomes (gnomAD). The available data on variant occurrences in the general population are insufficient to allow any conclusion about variant significance. To our knowledge, no occurrence of c.7696G>T in individuals affected with Hereditary Breast And Ovarian Cancer Syndrome and no experimental evidence demonstrating its impact on protein function have been reported. However, an algorithm for predicting the protein likelihood ratio of the BRCA2 gene suggested the variant is neutral (Karchin_2008). The following publication has been ascertained in the context of this evaluation (PMID: 19043619). Two ClinVar submitters have assessed the variant since 2014: one submitter classified the variant as likely benign, and one submitter classified the variant as uncertain significance. Based on the evidence outlined above, the variant was classified as uncertain significance.

Ambry Genetics
Classification: Likely benign for Hereditary cancer-predisposing syndrome. Last evaluated: 2022-01-04. Review status: criteria provided, single submitter. Criteria: Ambry Variant Classification Scheme 2023. Collection method: clinical testing. Allele origin: germline.

Breast Cancer Information Core (BIC) (BRCA2)
Classification: Uncertain significance for Breast-ovarian cancer, familial 2. Last evaluated: 2001-01-17. Review status: no assertion criteria provided. Collection method: clinical testing. Allele origin: germline. Affected: yes. Observed: 1 variant allele. Not counted in ClinVar's aggregate classification.

Literature cited by the submitters: PubMed 19043619 (cited by Women's Health and Genetics/Laboratory Corporation of America, LabCorp); PubMed 31131967 (cited by Ambry Genetics).